The following is an entry in ClinVar:

ClinVar aggregate classification (germline): Uncertain significance (1 of 4 stars; one submission).

Conditions:
Telangiectasia, hereditary hemorrhagic, type 5 (HHT5). Identifiers: Orphanet 774, MedGen C3809710, MONDO:0014217, OMIM 615506.

Submission:

Labcorp Genetics (formerly Invitae), Labcorp
Classification: Uncertain significance for Telangiectasia, hereditary hemorrhagic, type 5. Last evaluated: 2024-07-24. Review status: criteria provided, single submitter. Criteria: Invitae Variant Classification Sherloc (09022015). Collection method: clinical testing. Allele origin: germline.
Comment: This sequence change replaces serine, which is neutral and polar, with asparagine, which is neutral and polar, at codon 277 of the GDF2 protein (p.Ser277Asn). This variant is not present in population databases (gnomAD no frequency). This variant has not been reported in the literature in individuals affected with GDF2-related conditions. An algorithm developed to predict the effect of missense changes on protein structure and function (PolyPhen-2) suggests that this variant is likely to be tolerated. In summary, the available evidence is currently insufficient to determine the role of this variant in disease. Therefore, it has been classified as a Variant of Uncertain Significance.

NM_016204.4(GDF2):c.830G>A (p.Ser277Asn)

Gene: GDF2 (growth differentiation factor 2; plus strand). Cytogenetic location: 10q11.22.
Variant type: single nucleotide variant.
Coding change: c.830G>A on transcript NM_016204.4 (MANE Select); coding-DNA position 830, G replaced by A.
Protein change: p.Ser277Asn; replaces serine 277 with asparagine.
Molecular consequence: missense variant.
Genome position (GRCh38, 1-based): chr10:47,325,324, G>A. VCF-style: chr10-47325324-G-A. GRCh37 (hg19) VCF-style: chr10-48414038-C-T.
Other names: short protein forms S277N.
Identifiers: ClinVar variation 3711760 (VCV003711760.2).